The following is an entry in ClinVar:

NM_000551.4(VHL):c.53C>T (p.Ala18Val)

Gene: VHL (von Hippel-Lindau tumor suppressor; plus strand). Cytogenetic location: 3p25.3.
Variant type: single nucleotide variant.
Coding change: c.53C>T on transcript NM_000551.4 (MANE Select); coding-DNA position 53, C replaced by T.
Protein change: p.Ala18Val; replaces alanine 18 with valine.
Molecular consequence: missense variant.
Genome position (GRCh38, 1-based): chr3:10,141,900, C>T. VCF-style: chr3-10141900-C-T. GRCh37 (hg19) VCF-style: chr3-10183584-C-T.
Other names: c.53C>T, p.Ala18Val (NM_001354723.2, NM_198156.3); short protein forms A18V.
Identifiers: ClinVar variation 456591 (VCV000456591.17), dbSNP rs1553619302, ClinGen allele CA351747282.
Genomic context (GRCh38, chr3:10,141,900, plus strand): 5'-CGGAGGGAATGCCCCGGAGGGCGGAGAACTGGGACGAGGCCGAGGTAGGCGCGGAGGAGG[C>T]AGGCGTCGAAGAGTACGGCCCTGAAGAAGACGGCGGGGAGGAGTCGGGCGCCGAGGAGTC-3'
Protein context (NP_000542.1, residues 8-28): WDEAEVGAEE[Ala18Val]GVEEYGPEED

ClinVar aggregate classification (germline): Conflicting classifications of pathogenicity. Review status: criteria provided, conflicting classifications (1 of 4 stars). 5 submissions from 5 submitters: Uncertain significance (4); Likely benign (1). Last evaluated 2026-01-16.

Conditions:
Chuvash polycythemia. Also called: POLYCYTHEMIA, VHL-DEPENDENT. Identifiers: Orphanet 238557, MedGen C1837915, MONDO:0009892, OMIM 263400.
Von Hippel-Lindau syndrome (VHLS). Also called: VHL syndrome; von Hippel–Lindau syndrome; Von Hippel-Lindau. Identifiers: Orphanet 892, MedGen C0019562, MONDO:0008667, OMIM 193300. Disease mechanism: loss of function.
Hereditary cancer-predisposing syndrome. Also called: Neoplastic Syndromes, Hereditary; Tumor predisposition; Hereditary neoplastic syndrome; Hereditary Cancer Syndrome. Identifiers: Orphanet 140162, MedGen C0027672, MeSH D009386, MONDO:0015356.

Allele frequency attached by ClinVar (database versions not stated): gnomAD exomes below 0.00001; TOPMed 0.00001.
gnomAD v4.1: 5 of 1,532,134 alleles (0.00033%); highest among the groups gnomAD compares: East Asian, 0.0025%; no homozygotes.

Submissions (5):

Dasa
Classification: Uncertain significance. Last evaluated: 2026-01-16. Review status: criteria provided, single submitter. Criteria: DASA Assertion Criteria. Collection method: clinical testing. Allele origin: germline.
Comment: NM_000551.4(VHL):c.53C>T (p.Ala18Val) is a missense variant that results in the substitution of alanine with valine. This variant is rare in population databases. Computational prediction algorithms are consistent with a benign effect. The currently available literature and clinical evidence are not sufficient to establish a definitive association between this variant and the reported condition. Therefore, this variant is classified as a variant of uncertain significance.

Labcorp Genetics (formerly Invitae), Labcorp
Classification: Uncertain significance for Von Hippel-Lindau syndrome; Chuvash polycythemia. Last evaluated: 2026-01-15. Review status: criteria provided, single submitter. Criteria: Invitae Variant Classification Sherloc (09022015). Collection method: clinical testing. Allele origin: germline.
Comment: This sequence change replaces alanine, which is neutral and non-polar, with valine, which is neutral and non-polar, at codon 18 of the VHL protein (p.Ala18Val). This variant is not present in population databases (gnomAD no frequency). This variant has not been reported in the literature in individuals affected with VHL-related conditions. ClinVar contains an entry for this variant (Variation ID: 456591). Invitae Evidence Modeling of protein sequence and biophysical properties (such as structural, functional, and spatial information, amino acid conservation, physicochemical variation, residue mobility, and thermodynamic stability) indicates that this missense variant is not expected to disrupt VHL protein function with a negative predictive value of 95%. In summary, the available evidence is currently insufficient to determine the role of this variant in disease. Therefore, it has been classified as a Variant of Uncertain Significance.

GeneDx
Classification: Uncertain significance. Last evaluated: 2025-07-23. Review status: criteria provided, single submitter. Criteria: GeneDx Variant Classification Process June 2021. Collection method: clinical testing. Allele origin: germline.
Comment: Not observed at significant frequency in large population cohorts (gnomAD); In silico analysis suggests that this missense variant does not alter protein structure/function; Has not been previously published as pathogenic or benign to our knowledge

Ambry Genetics
Classification: Likely benign for Hereditary cancer-predisposing syndrome. Last evaluated: 2025-06-20. Review status: criteria provided, single submitter. Criteria: Ambry Variant Classification Scheme 2023. Collection method: clinical testing. Allele origin: germline.

All of Us Research Program, National Institutes of Health
Classification: Uncertain significance for Von Hippel-Lindau syndrome. Last evaluated: 2023-05-16. Review status: criteria provided, single submitter. Criteria: ACMG Guidelines, 2015. Collection method: clinical testing. Allele origin: germline. Inheritance: Autosomal dominant inheritance. Observed: 2 variant alleles, 2 heterozygotes.
Comment: This missense variant replaces alanine with valine at codon 18 of the VHL protein. Computational prediction suggests that this variant may not impact protein structure and function (internally defined REVEL score threshold <= 0.5, PMID: 27666373). To our knowledge, functional studies have not been reported for this variant. This variant has not been reported in individuals affected with VHL-related disorders in the literature. This variant has not been identified in the general population by the Genome Aggregation Database (gnomAD). The available evidence is insufficient to determine the role of this variant in disease conclusively. Therefore, this variant is classified as a Variant of Uncertain Significance.

This study involves interpretation of variants in research participants for the purpose of population health screening. Participant phenotype was not available at the time of variant classification. Additional details can be found in publication PMID: 35346344, PMCID: PMC8962531